The following is an entry in ClinVar:

ClinVar aggregate classification (germline): Uncertain significance (1 of 4 stars; one submission).

Conditions:
Intellectual developmental disorder, X-linked 90. Also called: DLG3-Related X-Linked Nonsyndromic Mental Retardation; Intellectual disability, X-linked 90. Identifiers: Orphanet 777, MedGen C3275443, MONDO:0010452, OMIM 300850.

gnomAD v4.1: 1 of 1,207,740 alleles (0.000083%); highest among the groups gnomAD compares: Admixed American, 0.0022%; no homozygotes.

Submission:

3billion
Classification: Uncertain significance for Intellectual developmental disorder, X-linked 90. Last evaluated: 2025-12-16. Review status: criteria provided, single submitter. Criteria: ACMG Guidelines, 2015. Collection method: clinical testing. Allele origin: germline. Affected: yes.
Comment: The variant is observed at an extremely low frequency in the gnomAD v4.1.0 dataset (total allele frequency: <0.001%). Predicted Consequence/Location: Intron variant In silico tools predict the variant to alter splicing and produce an abnormal transcript [SpliceAI: 0.32 (>=0.2, moderate evidence for spliceogenicity)]. Therefore, this variant is classified as VUS according to the recommendation of ACMG/AMP guideline.

NM_021120.4(DLG3):c.1820-1292G>A

Gene: DLG3 (discs large MAGUK scaffold protein 3; plus strand). Cytogenetic location: Xq13.1.
Variant type: single nucleotide variant.
Coding change: c.1820-1292G>A on transcript NM_021120.4 (MANE Select); 1292 bases into the intron before coding-DNA position 1820, G replaced by A.
Molecular consequence: intron variant.
Genome position (GRCh38, 1-based): chrX:70,497,228, G>A. VCF-style: chrX-70497228-G-A. GRCh37 (hg19) VCF-style: chrX-69717078-G-A.
Other names: c.904+7G>A (NM_020730.3); c.466+7G>A (NM_001166278.2).
Identifiers: ClinVar variation 4856044 (VCV004856044.1).